The following is an entry in ClinVar:

ClinVar aggregate classification (germline): Likely pathogenic. Review status: criteria provided, multiple submitters, no conflicts (2 of 4 stars). 2 submissions from 2 submitters: Likely pathogenic (2). Last evaluated 2025-06-27.

Conditions:
Renal tubular acidosis with progressive nerve deafness. Also called: renal tubular acidosis, distal, 2, with progressive sensorineural hearing loss; RENAL TUBULAR ACIDOSIS, AUTOSOMAL RECESSIVE, WITH PROGRESSIVE NERVE DEAFNESS; Distal Renal Tubular Acidosis with Progressive Sensorineural Deafness; RTA WITH PROGRESSIVE NERVE DEAFNESS. Identifiers: MedGen C0403554, MONDO:0009968, OMIM 267300.

Submissions (2):

Natera, Inc.
Classification: Likely pathogenic for Renal tubular acidosis with progressive nerve deafness. Last evaluated: 2025-06-27. Review status: criteria provided, single submitter. Criteria: Natera Variant Classification Schema (03/2026). Collection method: clinical testing. Allele origin: germline.
Comment: The c.786-1G>A variant in ATP6V1B1 is a canonical splice acceptor site variant predicted to affect pre-mRNA splicing, which may result in an abnormal transcript and altered protein product. This variant is expected to result in nonsense mediated decay, truncation, or a dysfunctional protein product. This variant is rare in the general population with a frequency below the threshold expected for the associated phenotype(s). Given the available evidence, this variant is classified as Likely Pathogenic.

Labcorp Genetics (formerly Invitae), Labcorp
Classification: Likely pathogenic. Last evaluated: 2022-03-08. Review status: criteria provided, single submitter. Criteria: Invitae Variant Classification Sherloc (09022015). Collection method: clinical testing. Allele origin: germline.
Comment: In summary, the currently available evidence indicates that the variant is pathogenic, but additional data are needed to prove that conclusively. Therefore, this variant has been classified as Likely Pathogenic. Algorithms developed to predict the effect of sequence changes on RNA splicing suggest that this variant may disrupt the consensus splice site. Disruption of this splice site has been observed in individual(s) with renal tubular acidosis with deafness (PMID: 24975934). This variant is not present in population databases (gnomAD no frequency). This sequence change affects an acceptor splice site in intron 8 of the ATP6V1B1 gene. It is expected to disrupt RNA splicing. Variants that disrupt the donor or acceptor splice site typically lead to a loss of protein function (PMID: 16199547), and loss-of-function variants in ATP6V1B1 are known to be pathogenic (PMID: 9916796, 18368028).

Literature cited by the submitters: PubMed 24975934 (cited by Labcorp Genetics (formerly Invitae), Labcorp); PubMed 16199547 (cited by Labcorp Genetics (formerly Invitae), Labcorp); PubMed 9916796 (cited by Labcorp Genetics (formerly Invitae), Labcorp); PubMed 18368028 (cited by Labcorp Genetics (formerly Invitae), Labcorp).

NM_001692.4(ATP6V1B1):c.786-1G>A

Gene: ATP6V1B1 (ATPase H+ transporting V1 subunit B1; plus strand). Cytogenetic location: 2p13.3.
Variant type: single nucleotide variant.
Coding change: c.786-1G>A on transcript NM_001692.4 (MANE Select); the canonical splice acceptor site of the intron before coding-DNA position 786, G replaced by A.
Molecular consequence: splice acceptor variant.
Genome position (GRCh38, 1-based): chr2:70,962,776, G>A. VCF-style: chr2-70962776-G-A. GRCh37 (hg19) VCF-style: chr2-71189906-G-A.
Other names: c.786-1G>A (NM_001692.3).
Identifiers: ClinVar variation 1925347 (VCV001925347.6), dbSNP rs2466299618, ClinGen allele CA347184577.